The following is an entry in ClinVar:

NM_001358235.2(DCHS2):c.7714T>G (p.Ser2572Ala)

Genes: DCHS2 (dachsous cadherin-related 2; minus strand), DCHS2-AS1 (DCHS2 antisense RNA 1; plus strand). Cytogenetic location: 4q31.3.
Variant type: single nucleotide variant.
Coding change: c.7714T>G on transcript NM_001358235.2 (MANE Select); coding-DNA position 7714, T replaced by G.
Protein change: p.Ser2572Ala; replaces serine 2572 with alanine.
Molecular consequence: missense variant.
Genome position (GRCh38, 1-based): chr4:154,236,938, A>C on the plus strand (T>G on the coding strand, the complement: DCHS2 is on the minus strand). VCF-style: chr4-154236938-A-C. GRCh37 (hg19) VCF-style: chr4-155158090-A-C.
Other names: short protein forms S2572A.
Identifiers: ClinVar variation 3037446 (VCV003037446.2), dbSNP rs111684589, ClinGen allele CA3112060.

ClinVar aggregate classification (germline): Benign (0 of 4 stars; one submission).

Conditions:
DCHS2-related disorder. Also called: DCHS2-related condition.

Allele frequency attached by ClinVar (database versions not stated): 1000 Genomes Project 0.00280; 1000 Genomes Project 30x 0.00281; TOPMed 0.00757; ESP Exome Variant Server 0.00900.
gnomAD v4.1: 16,625 of 1,614,088 alleles (1%); highest among the groups gnomAD compares: Non-Finnish European, 1.3%; 110 homozygotes.

Submission:

PreventionGenetics, part of Exact Sciences
Classification: Benign for DCHS2-related condition. Last evaluated: 2019-02-27. Review status: no assertion criteria provided. Collection method: clinical testing. Allele origin: germline.
Comment: This variant is classified as benign based on ACMG/AMP sequence variant interpretation guidelines (Richards et al. 2015 PMID: 25741868, with internal and published modifications).